The following is an entry in ClinVar:

NM_005618.4(DLL1):c.577C>T (p.Arg193Cys)

Gene: DLL1 (delta like canonical Notch ligand 1; minus strand). Cytogenetic location: 6q27.
Variant type: single nucleotide variant.
Coding change: c.577C>T on transcript NM_005618.4 (MANE Select); coding-DNA position 577, C replaced by T.
Protein change: p.Arg193Cys; replaces arginine 193 with cysteine.
Molecular consequence: missense variant.
Genome position (GRCh38, 1-based): chr6:170,288,332, G>A on the plus strand (C>T on the coding strand, the complement: DLL1 is on the minus strand). VCF-style: chr6-170288332-G-A. GRCh37 (hg19) VCF-style: chr6-170597420-G-A.
Other names: short protein forms R193C.
Identifiers: ClinVar variation 3361548 (VCV003361548.1).

ClinVar aggregate classification (germline): Uncertain significance (1 of 4 stars; one submission).

Submission:

GeneDx
Classification: Uncertain significance. Last evaluated: 2023-07-28. Review status: criteria provided, single submitter. Criteria: GeneDx Variant Classification Process June 2021. Collection method: clinical testing. Allele origin: germline. Affected: yes.
Comment: Not observed at significant frequency in large population cohorts (gnomAD); In silico analysis supports that this missense variant has a deleterious effect on protein structure/function; Has not been previously published as pathogenic or benign to our knowledge